The following is an entry in ClinVar:

NM_000179.3(MSH6):c.3903T>G (p.Asn1301Lys)

Gene: MSH6 (mutS homolog 6; plus strand). Cytogenetic location: 2p16.3.
Variant type: single nucleotide variant.
Coding change: c.3903T>G on transcript NM_000179.3 (MANE Select); coding-DNA position 3903, T replaced by G.
Protein change: p.Asn1301Lys; replaces asparagine 1301 with lysine.
Molecular consequence: missense variant.
Genome position (GRCh38, 1-based): chr2:47,806,553, T>G. VCF-style: chr2-47806553-T-G. GRCh37 (hg19) VCF-style: chr2-48033692-T-G.
Other names: c.3513T>G, p.Asn1171Lys (NM_001281492.2); c.2997T>G, p.Asn999Lys (NM_001281493.2, NM_001281494.2, NM_001406823.1 and 6 more transcripts); c.3999T>G, p.Asn1333Lys (NM_001406795.1); c.3903T>G, p.Asn1301Lys (NM_001406796.1, NM_001406808.1, NM_001406809.1); c.3606T>G, p.Asn1202Lys (NM_001406797.1, NM_001406801.1, NM_001406805.1 and 10 more transcripts); c.3729T>G, p.Asn1243Lys (NM_001406798.1); c.3378T>G, p.Asn1126Lys (NM_001406799.1, NM_001406806.1, NM_001406807.1); c.3890T>G, p.Met1297Arg (NM_001406800.1); and 8 more; short protein forms N1303K, N228K, N779K, M1297R, N1202K, N1243K, N1245K, N1301K.
Identifiers: ClinVar variation 1736048 (VCV001736048.2), dbSNP rs1035009009, ClinGen allele CA346761427.

ClinVar aggregate classification (germline): Uncertain significance (1 of 4 stars; one submission).

Conditions:
Hereditary cancer-predisposing syndrome. Also called: Neoplastic Syndromes, Hereditary; Tumor predisposition; Hereditary Cancer Syndrome; Hereditary neoplastic syndrome. Identifiers: Orphanet 140162, MedGen C0027672, MeSH D009386, MONDO:0015356.

Submission:

Ambry Genetics
Classification: Uncertain significance for Hereditary cancer-predisposing syndrome. Last evaluated: 2022-03-01. Review status: criteria provided, single submitter. Criteria: Ambry Variant Classification Scheme 2023. Collection method: clinical testing. Allele origin: germline.
Comment: The p.N1301K variant (also known as c.3903T>G), located in coding exon 9 of the MSH6 gene, results from a T to G substitution at nucleotide position 3903. The asparagine at codon 1301 is replaced by lysine, an amino acid with similar properties. This amino acid position is conserved. In addition, the in silico prediction for this alteration is inconclusive. Since supporting evidence is limited at this time, the clinical significance of this alteration remains unclear.